The following is an entry in ClinVar:

NM_000278.5(PAX2):c.76G>A (p.Val26Met)

Gene: PAX2 (paired box 2; plus strand). Cytogenetic location: 10q24.31.
Variant type: single nucleotide variant.
Coding change: c.76G>A on transcript NM_000278.5 (MANE Select); coding-DNA position 76, G replaced by A.
Protein change: p.Val26Met; replaces valine 26 with methionine.
Molecular consequence: missense variant.
Genome position (GRCh38, 1-based): chr10:100,749,778, G>A. VCF-style: chr10-100749778-G-A. GRCh37 (hg19) VCF-style: chr10-102509535-G-A.
Other names: c.76G>A (NM_003987.3); c.169G>A, p.Val57Met (NM_001304569.2); c.76G>A, p.Val26Met (NM_003987.5, NM_003988.5, NM_003989.5 and 1 more transcripts); short protein forms V26M, V57M.
Identifiers: ClinVar variation 2048050 (VCV002048050.5), dbSNP rs1022509510, ClinGen allele CA213063351.

ClinVar aggregate classification (germline): Uncertain significance. Review status: criteria provided, multiple submitters, no conflicts (2 of 4 stars). 2 submissions from 2 submitters: Uncertain significance (2). Last evaluated 2023-11-14.

Conditions:
Renal coloboma syndrome (PAPRS). Also called: OPTIC COLOBOMA, VESICOURETERAL REFLUX, AND RENAL ANOMALIES; OPTIC NERVE COLOBOMA WITH RENAL DISEASE; RENAL-COLOBOMA SYNDROME WITH MACULAR ABNORMALITIES; PAPILLORENAL SYNDROME WITH MILD OCULAR ABNORMALITIES; CONGENITAL ANOMALIES OF THE KIDNEY AND URINARY TRACT WITH OR WITHOUT OCULAR ABNORMALITIES; CAKUT WITH OR WITHOUT OCULAR ABNORMALITIES. Identifiers: Orphanet 1475, MedGen C1852759, MONDO:0007352, OMIM 120330.
Focal segmental glomerulosclerosis 7 (FSGS7). Identifiers: Orphanet 656, MedGen C4014925, MONDO:0014451, OMIM 616002.
Inborn genetic diseases. Identifiers: MedGen C0950123, MeSH D030342.

Allele frequency attached by ClinVar (database versions not stated): gnomAD 0.00001.
gnomAD v4.1: 9 of 1,611,970 alleles (0.00056%); highest among the groups gnomAD compares: Admixed American, 0.0033%; no homozygotes.

Submissions (2):

Ambry Genetics
Classification: Uncertain significance for Inborn genetic diseases. Last evaluated: 2023-11-14. Review status: criteria provided, single submitter. Criteria: Ambry Variant Classification Scheme 2023. Collection method: clinical testing. Allele origin: germline.

Labcorp Genetics (formerly Invitae), Labcorp
Classification: Uncertain significance for Renal coloboma syndrome; Focal segmental glomerulosclerosis 7. Last evaluated: 2023-10-05. Review status: criteria provided, single submitter. Criteria: Invitae Variant Classification Sherloc (09022015). Collection method: clinical testing. Allele origin: germline.
Comment: This sequence change replaces valine, which is neutral and non-polar, with methionine, which is neutral and non-polar, at codon 26 of the PAX2 protein (p.Val26Met). This variant is not present in population databases (gnomAD no frequency). This variant has not been reported in the literature in individuals affected with PAX2-related conditions. ClinVar contains an entry for this variant (Variation ID: 2048050). An algorithm developed to predict the effect of missense changes on protein structure and function (PolyPhen-2) suggests that this variant is likely to be disruptive. In summary, the available evidence is currently insufficient to determine the role of this variant in disease. Therefore, it has been classified as a Variant of Uncertain Significance.